The following is an entry in ClinVar:

ClinVar aggregate classification (germline): Uncertain significance (1 of 4 stars; one submission).

Conditions:
Nemaline myopathy 2 (NEM2). Also called: Nemaline myopathy 2, autosomal recessive. Identifiers: MedGen C1850569, MONDO:0009725, OMIM 256030.

Allele frequency attached by ClinVar (database versions not stated): gnomAD exomes below 0.00001; gnomAD 0.00001; TOPMed 0.00001.
gnomAD v4.1: 4 of 1,613,886 alleles (0.00025%); highest among the groups gnomAD compares: Non-Finnish European, 0.00034%; no homozygotes.

Submission:

Labcorp Genetics (formerly Invitae), Labcorp
Classification: Uncertain significance for Nemaline myopathy 2. Last evaluated: 2022-06-14. Review status: criteria provided, single submitter. Criteria: Invitae Variant Classification Sherloc (09022015). Collection method: clinical testing. Allele origin: germline.
Comment: This sequence change replaces threonine, which is neutral and polar, with serine, which is neutral and polar, at codon 7410 of the NEB protein (p.Thr7410Ser). This variant is not present in population databases (gnomAD no frequency). This variant has not been reported in the literature in individuals affected with NEB-related conditions. Algorithms developed to predict the effect of missense changes on protein structure and function are either unavailable or do not agree on the potential impact of this missense change (SIFT: "Deleterious"; PolyPhen-2: "Not Available"; Align-GVGD: "Class C0"). In summary, the available evidence is currently insufficient to determine the role of this variant in disease. Therefore, it has been classified as a Variant of Uncertain Significance.

NM_001164508.2(NEB):c.22124C>G (p.Thr7375Ser)

Genes: RIF1 (replication timing regulatory factor 1; plus strand), NEB (nebulin; minus strand). Cytogenetic location: 2q23.3.
Variant type: single nucleotide variant.
Coding change: c.22124C>G on transcript NM_001164508.2 (MANE Select); coding-DNA position 22124, C replaced by G.
Protein change: p.Thr7375Ser; replaces threonine 7375 with serine.
Molecular consequence: missense variant.
Genome position (GRCh38, 1-based): chr2:151,525,995, G>C on the plus strand (C>G on the coding strand, the complement: NEB is on the minus strand). VCF-style: chr2-151525995-G-C. GRCh37 (hg19) VCF-style: chr2-152382509-G-C.
Other names: c.22229C>G, p.Thr7410Ser (NM_001271208.2); c.17021C>G, p.Thr5674Ser (NM_004543.5); c.22124C>G, p.Thr7375Ser (NM_001164507.2); short protein forms T7410S, T5674S, T7375S.
Identifiers: ClinVar variation 1525754 (VCV001525754.3), dbSNP rs1195608964, ClinGen allele CA348766099.
Genomic context (GRCh38, chr2:151,525,995, plus strand): 5'-GAGACCGGTGGTTGATCACTTACATCACTGACATGCTTGGTCACTTCCTTGACGTGAACA[G>C]TGTCCCGGGTCTCTGGTAGTGTTGTGTATGAGCCCTGTGCCAAGTGCTTCTTGACATGGT-3'
Protein context (NP_001157980.2, residues 7365-7385): SYTTLPETRD[Thr7375Ser]VHVKEVTKHV